The following is an entry in ClinVar:

ClinVar aggregate classification (germline): Pathogenic. Review status: reviewed by expert panel (3 of 4 stars). 10 submissions from 10 submitters: Pathogenic (1). 9 of the submissions do not count toward it. Last evaluated 2018-08-31.

Conditions:
CFTR-related disorder (CFTR-RD). Also called: CFTR-related condition; CFTR-related disorders. Identifiers: MedGen C5924204, MONDO:7770004.
Congenital bilateral aplasia of vas deferens from CFTR mutation (CBAVD). Identifiers: Orphanet 48, MedGen C0403814, MONDO:0010178, OMIM 277180. Disease mechanism: loss of function.
Cystic fibrosis (CF). Also called: MUCOVISCIDOSIS. Identifiers: Orphanet 586, MedGen C0010674, MONDO:0009061, OMIM 219700. Disease mechanism: loss of function.

Allele frequency attached by ClinVar (database versions not stated): ExAC 0.00001; TOPMed below 0.00001; gnomAD exomes below 0.00001.
gnomAD v4.1: 6 of 1,613,264 alleles (0.00037%); highest among the groups gnomAD compares: South Asian, 0.0011%; no homozygotes.

Submissions (10):

CFTR2
Classification: Pathogenic for Cystic fibrosis. Last evaluated: 2018-08-31. Review status: reviewed by expert panel. Criteria: Sosnay PR et al. (Nat Genet 2013). Collection method: research. Allele origin: germline. Affected: yes.

Quest Diagnostics Nichols Institute San Juan Capistrano
Classification: Pathogenic. Last evaluated: 2025-07-14. Review status: criteria provided, single submitter. Criteria: Quest Diagnostics criteria. Collection method: clinical testing. Allele origin: unknown. Not counted in ClinVar's aggregate classification.
Comment: The CFTR c.3017C>A (p.Ala1006Glu) variant has been reported in the published literature in individuals affected with cystic fibrosis who were compound heterozygous for the variant and another pathogenic CFTR variant (PMIDs: 30888834 (2019), 25910067 (2015), 21858268 (2011), 20691141 (2010), 18456578 (2008), 17331079 (2007)). In addition, this variant has been reported as having a deleterious effect on protein function (PMIDs: 38388235 (2024), 30046002 (2018), 29805046 (2018)). The frequency of this variant in the general population (Genome Aggregation Database) is consistent with pathogenicity. Based on the available information, this variant is classified as pathogenic.

Natera, Inc.
Classification: Pathogenic for CFTR-related disorders. Last evaluated: 2025-05-09. Review status: criteria provided, single submitter. Criteria: Natera Variant Classification Schema (03/2026). Collection method: clinical testing. Allele origin: germline. Not counted in ClinVar's aggregate classification.
Comment: The c.3017C>A variant in CFTR is a missense variant predicted to cause substitution of alanine to glutamic acid at amino acid 1006. This variant is rare in the general population with a frequency below the threshold expected for the associated phenotype(s). This variant has been observed in one or more individuals affected with the associated recessive disease, as either homozygous or compound heterozygous with a second variant (PMID: 20691141, 30134826). Additionally, this variant has been observed to segregate in affected family members (PMID: 20691141). Functional studies show that this variant may disrupt protein function (PMID: 30046002). Computational prediction algorithms indicate this variant is likely to affect gene or protein function. Given the available evidence, this variant is classified as Pathogenic.

Women's Health and Genetics/Laboratory Corporation of America, LabCorp
Classification: Pathogenic for Cystic fibrosis. Last evaluated: 2025-04-29. Review status: criteria provided, single submitter. Criteria: LabCorp Variant Classification Summary - May 2015. Collection method: clinical testing. Allele origin: germline. Not counted in ClinVar's aggregate classification.
Comment: Variant summary: CFTR c.3017C>A (p.Ala1006Glu) results in a non-conservative amino acid change located in the ABC transporter type 1, transmembrane domain (IPR011527) of the encoded protein sequence. Three of four in-silico tools predict a benign effect of the variant on protein function. The variant allele was found at a frequency of 4e-06 in 251148 control chromosomes. c.3017C>A has been observed in the comound heterozygous state with the pathogenic variant p.F408del or other non-F508del pathogenic variants in multiple individuals affected with Cystic Fibrosis. This variant has also been frequently reported in cis with genetic modifier CFTR 5T-TG11and in cis with the 5T-TG11 and p.Val562Ile, which has been classified as likely benign (ferec_1995, Alonso_2007, McGinniss_2005, Tomaiuolo_2010, Lucarelli_2015, Mondejar-Lopez_2022). These data indicate that the variant is very likely to be associated with disease. At least one publication reports experimental evidence evaluating an impact on protein function. The most pronounced variant effect results in <10% of normal activity (Han_2018, Raraigh_2018, Bihler_2024). The following publications have been ascertained in the context of this evaluation (PMID: 17331079, 38388235, 18456578, 7541510, 30046002, 25910067, 30888834, 16189704, 35032736, 29805046, 20691141). ClinVar contains an entry for this variant (Variation ID: 53627). Based on the evidence outlined above, the variant was classified as pathogenic.

GeneDx
Classification: Pathogenic. Last evaluated: 2025-04-07. Review status: criteria provided, single submitter. Criteria: GeneDx Variant Classification Process June 2021. Collection method: clinical testing. Allele origin: germline. Affected: yes. Not counted in ClinVar's aggregate classification.
Comment: Not observed at significant frequency in large population cohorts (gnomAD); In silico analysis indicates that this missense variant does not alter protein structure/function; Also known as c.3149C>A; This variant is associated with the following publications: (PMID: 18456578, 7541510, 34996830, 21858268, 32060344, 20691141, 35032736, 30888834, 29805046, 17331079, 35698092, 15084222, 25192979, 16189704, 10875853, 25910067, 30046002, 30134826, 34782259, 38388235)

Labcorp Genetics (formerly Invitae), Labcorp
Classification: Uncertain significance for Cystic fibrosis. Last evaluated: 2022-09-16. Review status: criteria provided, single submitter. Criteria: Invitae Variant Classification Sherloc (09022015). Collection method: clinical testing. Allele origin: germline. Not counted in ClinVar's aggregate classification.
Comment: This sequence change replaces alanine, which is neutral and non-polar, with glutamic acid, which is acidic and polar, at codon 1006 of the CFTR protein (p.Ala1006Glu). The frequency data for this variant in the population databases is considered unreliable, as metrics indicate poor data quality at this position in the gnomAD database. This missense change has been observed in individual(s) with clinical features of CFTR-related conditions (PMID: 7541510, 16189704, 20691141, 21858268, 25910067, 29805046). ClinVar contains an entry for this variant (Variation ID: 53627). Advanced modeling of protein sequence and biophysical properties (such as structural, functional, and spatial information, amino acid conservation, physicochemical variation, residue mobility, and thermodynamic stability) performed at Invitae indicates that this missense variant is not expected to disrupt CFTR protein function. Experimental studies have shown that this missense change affects CFTR function (PMID: 29805046, 30046002). In summary, the available evidence is currently insufficient to determine the role of this variant in disease. Therefore, it has been classified as a Variant of Uncertain Significance.

CFTR-France
Classification: Pathogenic for Cystic fibrosis. Last evaluated: 2021-08-31. Review status: criteria provided, single submitter. Criteria: Claustres M et al. (Hum Mutat 2017). Collection method: curation. Allele origin: germline. Affected: yes. Not counted in ClinVar's aggregate classification.

Ambry Genetics
Classification: Pathogenic for Cystic fibrosis. Last evaluated: 2017-03-09. Review status: criteria provided, single submitter. Criteria: Ambry Variant Classification Scheme 2023. Collection method: clinical testing. Allele origin: germline. Not counted in ClinVar's aggregate classification.
Comment: The p.V562I variant (also known as c.1684G>A), located in coding exon 13 of the CFTR gene, results from a G to A substitution at nucleotide position 1684. The p.A1006E variant (also known as c.3017C>A), located in coding exon 19 of the CFTR gene, results from a C to A substitution at nucleotide position 3017. The (TG)11-5T variant is located in intron 9 of the CFTR gene within the poly-thymidine tract, and results in decreased efficiency of exon 10 splicing. The 5T variant in trans with a pathogenic CFTR mutation, or in the homozygous state, has been associated with CFTR-related disorders, including bronchiectasis (Sosnay et al. Pediatr Clin North Am 2016;63(4):585-98), acute recurrent or chronic pancreatitis (Werlin et al. J Pediatr Gastroenterol Nutr 2015; 60(5):675-9, Masson et al. PLoS One 2013; 8(8):e73522), and congenital bilateral absence of the vas deferens (CBAVD) (Bombieri et al. J Cyst Fibros 2011;10 Suppl 2:S86-102). The p.V562I, p.A1006E, and (TG)11-5T variants have often been seen in cis and reported as part of a complex allele [(TG)11-5T;p.V562I;p.A1006E]. This complex allele is shown to segregate with disease in two families: one comprised of a pair of sisters, the other of four siblings affected with cystic fibrosis (CF) (Tomaiuolo AC et al. Clin Invest Med, 2010 Aug;33:E234-9). In a study aimed at understanding the relationship between phenotype and genotype in cystic fibrosis, the [(TG)11-5T;p.V562I;p.A1006E] complex allele was identified in trans with a pathogenic mutation in 11 patients. The majority of these individuals had a diagnosis of classic CF with pancreatic sufficiency, although CFTR-related disorders were also reported (Lucarelli M et al. Mol. Med., 2015 Apr;21:257-75). Based on the available evidence, the [(TG)11-5T;p.V562I;p.A1006E] complex allele is classified as disease causing.

Baylor Genetics
Classification: Pathogenic for Congenital bilateral aplasia of vas deferens from CFTR mutation; Cystic fibrosis. Review status: criteria provided, single submitter. Criteria: ACMG Guidelines, 2015. Collection method: clinical testing. Allele origin: germline. Not counted in ClinVar's aggregate classification.

ClinVar Staff, National Center for Biotechnology Information (NCBI)
No classification provided. Condition: CFTR-related disorders. Review status: no classification provided. Collection method: literature only. Allele origin: germline. Affected: yes. Not counted in ClinVar's aggregate classification.

Literature cited by the submitters: PubMed 38388235 (cited by Quest Diagnostics Nichols Institute San Juan Capistrano and Women's Health and Genetics/Laboratory Corporation of America, LabCorp); PubMed 30888834 (cited by Quest Diagnostics Nichols Institute San Juan Capistrano and Women's Health and Genetics/Laboratory Corporation of America, LabCorp); PubMed 20691141 (cited by 5 submitters); PubMed 16189704 (cited by 3 submitters); PubMed 17331079 (cited by Quest Diagnostics Nichols Institute San Juan Capistrano and Women's Health and Genetics/Laboratory Corporation of America, LabCorp); PubMed 25910067 (cited by 4 submitters); PubMed 30046002 (cited by 4 submitters); PubMed 18456578 (cited by 3 submitters); PubMed 21858268 (cited by 3 submitters); PubMed 29805046 (cited by 3 submitters); PubMed 7541510 (cited by 3 submitters); PubMed 30134826 (cited by Natera, Inc.); PubMed 35032736 (cited by Women's Health and Genetics/Laboratory Corporation of America, LabCorp); PubMed 10875853 (cited by ClinVar Staff, National Center for Biotechnology Information (NCBI)).

NM_000492.4(CFTR):c.3017C>A (p.Ala1006Glu)

Genes: CFTR (CF transmembrane conductance regulator; plus strand), CFTR-AS2 (CFTR antisense RNA 2; minus strand), LOC111674472 (DNase I hypersensitive sites in introns 16 and 17a of CFTR; plus strand). Cytogenetic location: 7q31.2.
Variant type: single nucleotide variant.
Coding change: c.3017C>A on transcript NM_000492.4 (MANE Select); coding-DNA position 3017, C replaced by A.
Protein change: p.Ala1006Glu; replaces alanine 1006 with glutamic acid.
Molecular consequence: missense variant.
Genome position (GRCh38, 1-based): chr7:117,610,547, C>A. VCF-style: chr7-117610547-C-A. GRCh37 (hg19) VCF-style: chr7-117250601-C-A.
Other names: short protein forms A1006E.
Identifiers: ClinVar variation 53627 (VCV000053627.20), dbSNP rs397508480, ClinGen allele CA327013.